The following is an entry in ClinVar:

ClinVar aggregate classification (germline): Likely benign (1 of 4 stars; one submission).

gnomAD v4.1: 464 of 1,593,358 alleles (0.029%); highest among the groups gnomAD compares: Non-Finnish European, 0.029%; 1 homozygote.

Submission:

CeGaT Center for Human Genetics Tuebingen
Classification: Likely benign. Last evaluated: 2024-11-01. Review status: criteria provided, single submitter. Criteria: CeGaT Center For Human Genetics Tuebingen Variant Classification Criteria Version 2. Collection method: clinical testing. Allele origin: germline. Affected: yes. Observed: 1 variant allele.
Comment: MAFG: BP4, BP7

NM_002359.4(MAFG):c.333C>T (p.Tyr111=)

Gene: MAFG (MAF bZIP transcription factor G; minus strand). Cytogenetic location: 17q25.3.
Variant type: single nucleotide variant.
Coding change: c.333C>T on transcript NM_002359.4 (MANE Select); coding-DNA position 333, C replaced by T.
Protein change: p.Tyr111=; no amino-acid change (tyrosine 111 retained).
Molecular consequence: synonymous variant.
Genome position (GRCh38, 1-based): chr17:81,922,761, G>A on the plus strand (C>T on the coding strand, the complement: MAFG is on the minus strand). VCF-style: chr17-81922761-G-A. GRCh37 (hg19) VCF-style: chr17-79880637-G-A.
Other names: c.333C>T, p.Tyr111= (NM_032711.4).
Identifiers: ClinVar variation 3387959 (VCV003387959.14).
Genomic context (GRCh38, chr17:81,922,761, plus strand): 5'-GCCCCGGGCTGGCGCCACGGGGCTGCGGGCCACCGTCCGGGCGAAGGTCTGCAGCGCCTC[G>A]TACTTGGAGCGCAGCGCGTCGAGCTCCAGCTTCATGCTGGCGTTCTCTGAGGCCAGCTTC-3'
Protein context (NP_002350.1, residues 101-121): KLELDALRSK[Tyr111=]EALQTFARTV